The following is an entry in ClinVar:

NM_144687.4(NLRP12):c.1416G>T (p.Gln472His)

Gene: NLRP12 (NLR family pyrin domain containing 12; minus strand). Cytogenetic location: 19q13.42.
Variant type: single nucleotide variant.
Coding change: c.1416G>T on transcript NM_144687.4 (MANE Select); coding-DNA position 1416, G replaced by T.
Protein change: p.Gln472His; replaces glutamine 472 with histidine.
Molecular consequence: missense variant.
Genome position (GRCh38, 1-based): chr19:53,810,243, C>A on the plus strand (G>T on the coding strand, the complement: NLRP12 is on the minus strand). VCF-style: chr19-53810243-C-A. GRCh37 (hg19) VCF-style: chr19-54313497-C-A.
Other names: c.1416G>T, p.Gln472His (NM_001277126.2, NM_001277129.1); short protein forms Q472H.
Identifiers: ClinVar variation 968747 (VCV000968747.9), dbSNP rs756550237, ClinGen allele CA9639432.

ClinVar aggregate classification (germline): Uncertain significance (1 of 4 stars; one submission).

Conditions:
Familial cold autoinflammatory syndrome 2 (FCAS2). Identifiers: Orphanet 247868, MedGen C2673198, MONDO:0012724, OMIM 611762.

Allele frequency attached by ClinVar (database versions not stated): gnomAD exomes below 0.00001; ExAC 0.00001.
gnomAD v4.1: 3 of 1,614,060 alleles (0.00019%); highest among the groups gnomAD compares: Admixed American, 0.005%; no homozygotes.

Submission:

Labcorp Genetics (formerly Invitae), Labcorp
Classification: Uncertain significance for Familial cold autoinflammatory syndrome 2. Last evaluated: 2023-02-05. Review status: criteria provided, single submitter. Criteria: Invitae Variant Classification Sherloc (09022015). Collection method: clinical testing. Allele origin: germline.
Comment: This sequence change replaces glutamine, which is neutral and polar, with histidine, which is basic and polar, at codon 472 of the NLRP12 protein (p.Gln472His). This variant is present in population databases (rs756550237, gnomAD 0.006%). This variant has not been reported in the literature in individuals affected with NLRP12-related conditions. ClinVar contains an entry for this variant (Variation ID: 968747). Advanced modeling of protein sequence and biophysical properties (such as structural, functional, and spatial information, amino acid conservation, physicochemical variation, residue mobility, and thermodynamic stability) performed at Invitae indicates that this missense variant is not expected to disrupt NLRP12 protein function. In summary, the available evidence is currently insufficient to determine the role of this variant in disease. Therefore, it has been classified as a Variant of Uncertain Significance.